The following is an entry in ClinVar:

ClinVar aggregate classification (germline): Uncertain significance. Review status: criteria provided, multiple submitters, no conflicts (2 of 4 stars). 2 submissions from 2 submitters: Uncertain significance (2). Last evaluated 2024-12-02.

Conditions:
Brugada syndrome 5 (BRGDA5). Identifiers: Orphanet 130, Orphanet 871, MedGen C2748541, MONDO:0013015, OMIM 612838.

Submissions (2):

GeneDx
Classification: Uncertain significance. Last evaluated: 2024-12-02. Review status: criteria provided, single submitter. Criteria: GeneDx Variant Classification Process June 2021. Collection method: clinical testing. Allele origin: germline. Affected: yes.
Comment: Not observed at significant frequency in large population cohorts (gnomAD); In silico analysis supports that this missense variant has a deleterious effect on protein structure/function; Has not been previously published as pathogenic or benign to our knowledge

Labcorp Genetics (formerly Invitae), Labcorp
Classification: Uncertain significance for Brugada syndrome 5. Last evaluated: 2024-10-24. Review status: criteria provided, single submitter. Criteria: Invitae Variant Classification Sherloc (09022015). Collection method: clinical testing. Allele origin: germline.
Comment: This sequence change replaces threonine, which is neutral and polar, with proline, which is neutral and non-polar, at codon 58 of the SCN1B protein (p.Thr58Pro). This variant is not present in population databases (gnomAD no frequency). This variant has not been reported in the literature in individuals affected with SCN1B-related conditions. An algorithm developed to predict the effect of missense changes on protein structure and function (PolyPhen-2) suggests that this variant is likely to be disruptive. In summary, the available evidence is currently insufficient to determine the role of this variant in disease. Therefore, it has been classified as a Variant of Uncertain Significance.

NM_001037.5(SCN1B):c.172A>C (p.Thr58Pro)

Gene: SCN1B (sodium voltage-gated channel beta subunit 1; plus strand). Cytogenetic location: 19q13.11.
Variant type: single nucleotide variant.
Coding change: c.172A>C on transcript NM_001037.5 (MANE Select); coding-DNA position 172, A replaced by C.
Protein change: p.Thr58Pro; replaces threonine 58 with proline.
Molecular consequence: missense variant.
Genome position (GRCh38, 1-based): chr19:35,032,659, A>C. VCF-style: chr19-35032659-A-C. GRCh37 (hg19) VCF-style: chr19-35523563-A-C.
Other names: c.172A>C (NM_001037.4); c.73A>C, p.Thr25Pro (NM_001321605.2); c.172A>C, p.Thr58Pro (NM_199037.5); short protein forms T58P, T25P.
Identifiers: ClinVar variation 3692361 (VCV003692361.3).